The following is an entry in ClinVar:

NM_003995.4(NPR2):c.662G>A (p.Gly221Glu)

Gene: NPR2 (natriuretic peptide receptor 2; plus strand). Cytogenetic location: 9p13.3.
Variant type: single nucleotide variant.
Coding change: c.662G>A on transcript NM_003995.4 (MANE Select); coding-DNA position 662, G replaced by A.
Protein change: p.Gly221Glu; replaces glycine 221 with glutamic acid.
Molecular consequence: missense variant.
Genome position (GRCh38, 1-based): chr9:35,793,070, G>A. VCF-style: chr9-35793070-G-A. GRCh37 (hg19) VCF-style: chr9-35793067-G-A.
Other names: c.662G>A, p.Gly221Glu (NM_001378923.1); short protein forms G221E.
Identifiers: ClinVar variation 3774983 (VCV003774983.1).
Genomic context (GRCh38, chr9:35,793,070, plus strand): 5'-AGGTGTATGCCCGAGAGCCAGGGGGCCCCGAGCAGGCCACCCACTTCATCCGGGCCAACG[G>A]GCGCAGTGAGTGTGGCCTGGGCTATTTTAGGGTCATGGGAGGAGGGTCGCTGTGTCCCTA-3'
Protein context (NP_003986.2, residues 211-231): EQATHFIRAN[Gly221Glu]RIVYICGPLE

ClinVar aggregate classification (germline): Uncertain significance (1 of 4 stars; one submission).

Submission:

GeneDx
Classification: Uncertain significance. Last evaluated: 2024-09-26. Review status: criteria provided, single submitter. Criteria: GeneDx Variant Classification Process June 2021. Collection method: clinical testing. Allele origin: germline. Affected: yes.
Comment: Not observed in large population cohorts (gnomAD); In silico analysis supports that this missense variant has a deleterious effect on protein structure/function; Has not been previously published as pathogenic or benign to our knowledge